The following is an entry in ClinVar:

NM_004064.5(CDKN1B):c.366_367dup (p.Ala123fs)

Gene: CDKN1B (cyclin dependent kinase inhibitor 1B; plus strand). Cytogenetic location: 12p13.1.
Variant type: Duplication.
Coding change: c.366_367dup on transcript NM_004064.5 (MANE Select); coding-DNA positions 366 to 367, 2 bases duplicated (GG; older notation c.366_367dupGG).
Protein change: p.Ala123fs; shifts the reading frame from alanine 123.
Molecular consequence: frameshift variant.
Genome position (GRCh38, 1-based): chr12:12,718,205-12,718,206, GG duplicated. VCF-style (leftmost placement, unchanged base first): chr12-12718204-C-CGG. GRCh37 (hg19) VCF-style: chr12-12871138-C-CGG.
Other names: short protein forms A123fs.
Identifiers: ClinVar variation 4714667 (VCV004714667.1).

ClinVar aggregate classification (germline): Pathogenic (1 of 4 stars; one submission).

Conditions:
Multiple endocrine neoplasia type 4. Also called: MULTIPLE ENDOCRINE NEOPLASIA, TYPE IV. Identifiers: Orphanet 276152, MedGen C1970712, MONDO:0012552, OMIM 610755.

Submission:

Labcorp Genetics (formerly Invitae), Labcorp
Classification: Pathogenic for Multiple endocrine neoplasia type 4. Last evaluated: 2025-03-09. Review status: criteria provided, single submitter. Criteria: Invitae Variant Classification Sherloc (09022015). Collection method: clinical testing. Allele origin: germline.
Comment: This sequence change creates a premature translational stop signal (p.Ala123Glyfs*23) in the CDKN1B gene. It is expected to result in an absent or disrupted protein product. Loss-of-function variants in CDKN1B are known to be pathogenic (PMID: 17030811, 24819502). This variant is not present in population databases (gnomAD no frequency). This variant has not been reported in the literature in individuals affected with CDKN1B-related conditions. For these reasons, this variant has been classified as Pathogenic.

Literature cited by the submitters: PubMed 17030811; PubMed 24819502.